The following is an entry in ClinVar:

NM_001282225.2(ADA2):c.760G>A (p.Glu254Lys)

Gene: ADA2 (adenosine deaminase 2; minus strand). Cytogenetic location: 22q11.1.
Variant type: single nucleotide variant.
Coding change: c.760G>A on transcript NM_001282225.2 (MANE Select); coding-DNA position 760, G replaced by A.
Protein change: p.Glu254Lys; replaces glutamic acid 254 with lysine.
Molecular consequence: missense variant.
Genome position (GRCh38, 1-based): chr22:17,191,804, C>T on the plus strand (G>A on the coding strand, the complement: ADA2 is on the minus strand). VCF-style: chr22-17191804-C-T. GRCh37 (hg19) VCF-style: chr22-17672694-C-T.
Other names: c.760G>A, p.Glu254Lys (NM_001282226.2); c.634G>A, p.Glu212Lys (NM_001282227.2, NM_001282228.2); c.400G>A, p.Glu134Lys (NM_001282229.2); c.37G>A, p.Glu13Lys (NM_177405.3); short protein forms E134K, E13K, E212K, E254K.
Identifiers: ClinVar variation 1338180 (VCV001338180.4), dbSNP rs2062118514, ClinGen allele CA410225959.

ClinVar aggregate classification (germline): Uncertain significance (1 of 4 stars; one submission).

Allele frequency attached by ClinVar (database versions not stated): gnomAD exomes below 0.00001.
gnomAD v4.1: 2 of 1,612,514 alleles (0.00012%); highest among the groups gnomAD compares: Non-Finnish European, 0.00017%; no homozygotes.

Submission:

Genetic Services Laboratory, University of Chicago
Classification: Uncertain significance. Last evaluated: 2021-11-29. Review status: criteria provided, single submitter. Criteria: ACMG Guidelines, 2015. Collection method: clinical testing. Allele origin: germline. Affected: no.
Comment: DNA sequence analysis of the ADA2 gene demonstrated a sequence change, c.760G>A, in exon 5 that results in an amino acid change, p.Glu254Lys. This sequence change does not appear to have been previously described in individuals with ADA2-related disorders and has also not been described in the population databases such as ExAC and gnomAD. The p.Glu254Lys change affects a highly conserved amino acid residue located in a domain of the ADA2 protein that is known to be functional. In-silico pathogenicity prediction tools (SIFT, PolyPhen2, Align GVGD, REVEL) provide contradictory results for the p.Glu254Lys substitution. Due to insufficient evidence and the lack of functional studies, the clinical significance of the p.Glu254Lys change remains unknown at this time.